The following is an entry in ClinVar:

NM_001363711.2(DUOX2):c.3948C>G (p.His1316Gln)

Gene: DUOX2 (dual oxidase 2; minus strand). Cytogenetic location: 15q21.1.
Variant type: single nucleotide variant.
Coding change: c.3948C>G on transcript NM_001363711.2 (MANE Select); coding-DNA position 3948, C replaced by G.
Protein change: p.His1316Gln; replaces histidine 1316 with glutamine.
Molecular consequence: missense variant.
Genome position (GRCh38, 1-based): chr15:45,095,960, G>C on the plus strand (C>G on the coding strand, the complement: DUOX2 is on the minus strand). VCF-style: chr15-45095960-G-C. GRCh37 (hg19) VCF-style: chr15-45388158-G-C.
Other names: c.3948C>G, p.His1316Gln (NM_014080.5); short protein forms H1316Q.
Identifiers: ClinVar variation 2745607 (VCV002745607.3), dbSNP rs766619891, ClinGen allele CA392253766.
Genomic context (GRCh38, chr15:45,095,960, plus strand): 5'-CACTGCCCGGATGTGCAGGCTGAGTGTGTCCTCATGGGGCGCGGAGGTCAGTGTGAAGGG[G>C]TGGTACTCGGTGGTCCCCAGAGCCAGGCAGGCGATCCGCACCCACTGTCCTGACTTGTAC-3'
Protein context (NP_001350640.1, residues 1306-1326): ACLALGTTEY[His1316Gln]PFTLTSAPHE

ClinVar aggregate classification (germline): Uncertain significance (1 of 4 stars; one submission).

Submission:

Labcorp Genetics (formerly Invitae), Labcorp
Classification: Uncertain significance. Last evaluated: 2023-09-04. Review status: criteria provided, single submitter. Criteria: Invitae Variant Classification Sherloc (09022015). Collection method: clinical testing. Allele origin: germline.
Comment: In summary, the available evidence is currently insufficient to determine the role of this variant in disease. Therefore, it has been classified as a Variant of Uncertain Significance. Advanced modeling of protein sequence and biophysical properties (such as structural, functional, and spatial information, amino acid conservation, physicochemical variation, residue mobility, and thermodynamic stability) performed at Invitae indicates that this missense variant is expected to disrupt DUOX2 protein function. This variant has not been reported in the literature in individuals affected with DUOX2-related conditions. This variant is not present in population databases (gnomAD no frequency). This sequence change replaces histidine, which is basic and polar, with glutamine, which is neutral and polar, at codon 1316 of the DUOX2 protein (p.His1316Gln).